The following is an entry in ClinVar:

ClinVar aggregate classification (germline): Likely benign. Review status: criteria provided, multiple submitters, no conflicts (2 of 4 stars). 3 submissions from 3 submitters: Likely benign (3). Last evaluated 2024-12-01.

Conditions:
Landau-Kleffner syndrome (FESD). Also called: EPILEPSY, FOCAL, WITH SPEECH DISORDER AND WITH OR WITHOUT MENTAL RETARDATION; APHASIA, ACQUIRED, WITH EPILEPSY. Identifiers: Orphanet 1945, Orphanet 725, Orphanet 98818, MedGen C0282512, MONDO:0009509, OMIM 245570.

Allele frequency attached by ClinVar (database versions not stated): 1000 Genomes Project 30x 0.00016; gnomAD 0.00002 and 0.00003; gnomAD exomes 0.00002 and 0.00004; ESP Exome Variant Server 0.00008; 1000 Genomes Project 0.00020; ExAC 0.00002; TOPMed 0.00004.
gnomAD v4.1: 34 of 1,613,946 alleles (0.0021%); highest among the groups gnomAD compares: South Asian, 0.0099%; no homozygotes.

Submissions (3):

CeGaT Center for Human Genetics Tuebingen
Classification: Likely benign. Last evaluated: 2024-12-01. Review status: criteria provided, single submitter. Criteria: CeGaT Center For Human Genetics Tuebingen Variant Classification Criteria Version 2. Collection method: clinical testing. Allele origin: germline. Affected: yes. Observed: 1 variant allele.
Comment: GRIN2A: BP4, BP7

Labcorp Genetics (formerly Invitae), Labcorp
Classification: Likely benign for Landau-Kleffner syndrome. Last evaluated: 2024-05-15. Review status: criteria provided, single submitter. Criteria: Invitae Variant Classification Sherloc (09022015). Collection method: clinical testing. Allele origin: germline.

GeneDx
Classification: Likely benign. Last evaluated: 2021-06-01. Review status: criteria provided, single submitter. Criteria: GeneDx Variant Classification Process June 2021. Collection method: clinical testing. Allele origin: germline. Affected: yes.

NM_001134407.3(GRIN2A):c.1911C>T (p.Phe637=)

Gene: GRIN2A (glutamate ionotropic receptor NMDA type subunit 2A; minus strand). Cytogenetic location: 16p13.2.
Variant type: single nucleotide variant.
Coding change: c.1911C>T on transcript NM_001134407.3 (MANE Select); coding-DNA position 1911, C replaced by T.
Protein change: p.Phe637=; no amino-acid change (phenylalanine 637 retained).
Molecular consequence: synonymous variant.
Genome position (GRCh38, 1-based): chr16:9,829,519, G>A on the plus strand (C>T on the coding strand, the complement: GRIN2A is on the minus strand). VCF-style: chr16-9829519-G-A. GRCh37 (hg19) VCF-style: chr16-9923376-G-A.
Other names: c.1911C>T, p.Phe637= (NM_000833.5, NM_001134408.2).
Identifiers: ClinVar variation 1149607 (VCV001149607.25), dbSNP rs150432804, ClinGen allele CA7896620.